The following is an entry in ClinVar:

NM_000189.5(HK2):c.2493C>T (p.Ala831=)

Gene: HK2 (hexokinase 2; plus strand). Cytogenetic location: 2p12.
Variant type: single nucleotide variant.
Coding change: c.2493C>T on transcript NM_000189.5 (MANE Select); coding-DNA position 2493, C replaced by T.
Protein change: p.Ala831=; no amino-acid change (alanine 831 retained).
Molecular consequence: synonymous variant.
Genome position (GRCh38, 1-based): chr2:74,889,362, C>T. VCF-style: chr2-74889362-C-T. GRCh37 (hg19) VCF-style: chr2-75116489-C-T.
Other names: c.2409C>T, p.Ala803= (NM_001371525.2).
Identifiers: ClinVar variation 3051781 (VCV003051781.2), dbSNP rs113781401, ClinGen allele CA1731733.

ClinVar aggregate classification (germline): Benign (0 of 4 stars; one submission).

Conditions:
HK2-related disorder. Also called: HK2-related condition.

Allele frequency attached by ClinVar (database versions not stated): gnomAD exomes 0.00017; ExAC 0.00075; TOPMed 0.00239; ESP Exome Variant Server 0.00231; 1000 Genomes Project 30x 0.00281; gnomAD 0.00201; 1000 Genomes Project 0.00280.
gnomAD v4.1: 566 of 1,614,164 alleles (0.035%); highest among the groups gnomAD compares: African/African-American, 0.7%; 3 homozygotes.

Submission:

PreventionGenetics, part of Exact Sciences
Classification: Benign for HK2-related condition. Last evaluated: 2019-04-05. Review status: no assertion criteria provided. Collection method: clinical testing. Allele origin: germline.
Comment: This variant is classified as benign based on ACMG/AMP sequence variant interpretation guidelines (Richards et al. 2015 PMID: 25741868, with internal and published modifications).